The following is an entry in ClinVar:

NM_001330260.2(SCN8A):c.1506A>G (p.Glu502=)

Gene: SCN8A (sodium voltage-gated channel alpha subunit 8; plus strand). Cytogenetic location: 12q13.13.
Variant type: single nucleotide variant.
Coding change: c.1506A>G on transcript NM_001330260.2 (MANE Select); coding-DNA position 1506, A replaced by G.
Protein change: p.Glu502=; no amino-acid change (glutamic acid 502 retained).
Molecular consequence: synonymous variant.
Genome position (GRCh38, 1-based): chr12:51,706,586, A>G. VCF-style: chr12-51706586-A-G. GRCh37 (hg19) VCF-style: chr12-52100370-A-G.
Other names: c.1506A>G (NM_014191.3); c.1506A>G, p.Glu502= (NM_001177984.3, NM_001369788.1, NM_014191.4).
Identifiers: ClinVar variation 2973294 (VCV002973294.5), dbSNP rs2540186203, ClinGen allele CA480029116.

ClinVar aggregate classification (germline): Likely benign. Review status: criteria provided, single submitter (1 of 4 stars). 2 submissions from 2 submitters: Likely benign (1). 1 of the submissions does not count toward it. Last evaluated 2025-12-19.

Conditions:
Early-infantile DEE. Also called: Ohtahara syndrome; Early infantile epileptic encephalopathy with suppression bursts; Early infantile epileptic encephalopathy. Identifiers: Orphanet 1934, MedGen C0393706, MONDO:0800491.
SCN8A-related disorder.

Submissions (2):

Labcorp Genetics (formerly Invitae), Labcorp
Classification: Likely benign for Early-infantile DEE. Last evaluated: 2025-12-19. Review status: criteria provided, single submitter. Criteria: Invitae Variant Classification Sherloc (09022015). Collection method: clinical testing. Allele origin: germline.

PreventionGenetics, part of Exact Sciences
Classification: Likely benign for SCN8A-related condition. Last evaluated: 2021-10-07. Review status: no assertion criteria provided. Collection method: clinical testing. Allele origin: germline. Not counted in ClinVar's aggregate classification.
Comment: This variant is classified as likely benign based on ACMG/AMP sequence variant interpretation guidelines (Richards et al. 2015 PMID: 25741868, with internal and published modifications).